The following is an entry in ClinVar:

ClinVar aggregate classification (germline): Benign/Likely benign. Review status: criteria provided, multiple submitters, no conflicts (2 of 4 stars). 4 submissions from 3 submitters: Benign (3); Likely benign (1). Last evaluated 2025-12-30.

Conditions:
Wagner disease. Also called: WAGNER VITREORETINAL DEGENERATION; Wagner Vitreoretinal Degeneration (Wagner Synrdome); Wagner syndrome; HYALOIDEORETINAL DEGENERATION OF WAGNER; WAGNER VITREORETINOPATHY; WAGNER SYNDROME 1. Identifiers: Orphanet 898, MedGen C1840452, MONDO:0007740, OMIM 143200.
Vitreoretinopathy. Also called: Vitreoretinal degeneration. Identifiers: MedGen C0344290, MONDO:0020248, HP:0007773.

Allele frequency attached by ClinVar (database versions not stated): gnomAD exomes 0.00004 and 0.00010; gnomAD 0.00008 and 0.00009; ExAC 0.00009; TOPMed 0.00011; ESP Exome Variant Server 0.00023.
gnomAD v4.1: 77 of 1,613,894 alleles (0.0048%); highest among the groups gnomAD compares: Admixed American, 0.027%; no homozygotes.

Submissions (4):

Labcorp Genetics (formerly Invitae), Labcorp
Classification: Benign. Last evaluated: 2025-12-30. Review status: criteria provided, single submitter. Criteria: Invitae Variant Classification Sherloc (09022015). Collection method: clinical testing. Allele origin: germline.

Blueprint Genetics
Classification: Likely benign. Last evaluated: 2024-09-09. Review status: criteria provided, single submitter. Criteria: ACMG Guidelines, 2015. Collection method: clinical testing. Allele origin: germline.

Illumina Laboratory Services, Illumina
Classification: Benign for Wagner disease. Last evaluated: 2018-01-13. Review status: criteria provided, single submitter. Criteria: ICSL Variant Classification Criteria 13 December 2019. Collection method: clinical testing. Allele origin: germline.
Comment: This variant was observed in the ICSL laboratory as part of a predisposition screen in an ostensibly healthy population. It had not been previously curated by ICSL or reported in the Human Gene Mutation Database (HGMD: prior to June 1st, 2018), and was therefore a candidate for classification through an automated scoring system. Utilizing variant allele frequency, disease prevalence and penetrance estimates, and inheritance mode, an automated score was calculated to assess if this variant is too frequent to cause the disease. Based on the score and internal cut-off values, a variant classified as benign is not then subjected to further curation. The score for this variant resulted in a classification of benign for this disease.

Illumina Laboratory Services, Illumina
Classification: Benign for Vitreoretinopathy. Last evaluated: 2018-01-13. Review status: criteria provided, single submitter. Criteria: ICSL Variant Classification Criteria 13 December 2019. Collection method: clinical testing. Allele origin: germline.
Comment: the same text as in the submission from Illumina Laboratory Services, Illumina above.

NM_004385.5(VCAN):c.7371C>T (p.Thr2457=)

Genes: VCAN (versican; plus strand), VCAN-AS1 (VCAN antisense RNA 1; minus strand). Cytogenetic location: 5q14.3.
Variant type: single nucleotide variant.
Coding change: c.7371C>T on transcript NM_004385.5 (MANE Select); coding-DNA position 7371, C replaced by T.
Protein change: p.Thr2457=; no amino-acid change (threonine 2457 retained).
Molecular consequence: synonymous variant. On other transcripts: intron variant (2).
Genome position (GRCh38, 1-based): chr5:83,540,374, C>T. VCF-style: chr5-83540374-C-T. GRCh37 (hg19) VCF-style: chr5-82836193-C-T.
Other names: c.4410C>T, p.Thr1470= (NM_001164097.2); c.4004-5163C>T (NM_001164098.2); c.1043-5163C>T (NM_001126336.3).
Identifiers: ClinVar variation 906506 (VCV000906506.13), dbSNP rs199626605, ClinGen allele CA3333621.
Genomic context (GRCh38, chr5:83,540,374, plus strand): 5'-TATTGTTGATTCATTTCACACTTCTGCAACTACTCAGGCAACCAGACAAGAAAGCAGCAC[C>T]ACATTTGTTTCTGATGGGTCCCTGGAAAAACATCCTGAGGTGCCAAGCGCTAAAGCTGTT-3'
Protein context (NP_004376.2, residues 2447-2467): TTQATRQESS[Thr2457=]TFVSDGSLEK